The following is an entry in ClinVar:

ClinVar aggregate classification (germline): Pathogenic (1 of 4 stars; one submission).

Conditions:
Duchenne muscular dystrophy (DMD). Also called: MUSCULAR DYSTROPHY, PSEUDOHYPERTROPHIC PROGRESSIVE, DUCHENNE TYPE; Duchenne Muscular Dystrophy (DMD). Identifiers: Orphanet 98896, MedGen C0013264, MONDO:0010679, OMIM 310200.

Submission:

Labcorp Genetics (formerly Invitae), Labcorp
Classification: Pathogenic for Duchenne muscular dystrophy. Last evaluated: 2023-03-22. Review status: criteria provided, single submitter. Criteria: Invitae Variant Classification Sherloc (09022015). Collection method: clinical testing. Allele origin: unknown.
Comment: For these reasons, this variant has been classified as Pathogenic. This variant disrupts a region of the DMD protein in which other variant(s) (Deletion (Exons 43-44)) have been determined to be pathogenic (PMID: 17259292, 31727011). This suggests that this is a clinically significant region of the protein, and that variants that disrupt it are likely to be disease-causing. A similar copy number variant has been observed in individual(s) with Becker muscular dystrophy (PMID: 31705731). This variant is a gross deletion of the genomic region encompassing exon(s) 29-44 of the DMD gene. This variant would be expected to be in-frame, preserving the integrity of the reading frame.

Literature cited by the submitters: PubMed 17259292; PubMed 31727011; PubMed 31705731.

NC_000023.10:g.(?_32235013)_(32456527_?)del

Gene: DMD (dystrophin; minus strand). Cytogenetic location: Xp21.1.
Variant type: Deletion.
Identifiers: ClinVar variation 3247557 (VCV003247557.1).